The following is an entry in ClinVar:

NM_002474.3(MYH11):c.2521-67C>G

Gene: MYH11 (myosin heavy chain 11; minus strand). Cytogenetic location: 16p13.11.
Variant type: single nucleotide variant.
Coding change: c.2521-67C>G on transcript NM_002474.3 (MANE Select); 67 bases into the intron before coding-DNA position 2521, C replaced by G.
Molecular consequence: intron variant.
Genome position (GRCh38, 1-based): chr16:15,741,958, G>C on the plus strand (C>G on the coding strand, the complement: MYH11 is on the minus strand). VCF-style: chr16-15741958-G-C. GRCh37 (hg19) VCF-style: chr16-15835815-G-C.
Other names: c.2521-67C>G (NM_022844.3); c.2542-67C>G (NM_001040114.2, NM_001040113.2).
Identifiers: ClinVar variation 673138 (VCV000673138.2), dbSNP rs2075510, ClinGen allele CA16519641.
Genomic context (GRCh38, chr16:15,741,958, plus strand): 5'-ACACACGGTTAGCCCATCATTTGTTTTTGTGGCAAAGGGATATGTTGTCATAATAAATTC[G>C]ATCAGTGGTTCCGAGCCAGGGACAATGTTGCCCCCACCGATCCCCACTAGGGGATATTGT-3'

ClinVar aggregate classification (germline): Benign. Review status: criteria provided, multiple submitters, no conflicts (2 of 4 stars). 2 submissions from 2 submitters: Benign (2). Last evaluated 2018-06-14.

Allele frequency attached by ClinVar (database versions not stated): 1000 Genomes Project 30x 0.04216; 1000 Genomes Project 0.04373; TOPMed 0.04907; gnomAD 0.05522.
gnomAD v4.1: 94,160 of 1,600,394 alleles (5.9%); highest among the groups gnomAD compares: East Asian, 16%; 3,281 homozygotes.

Submissions (2):

GeneDx
Classification: Benign. Last evaluated: 2018-06-14. Review status: criteria provided, single submitter. Criteria: GeneDx Variant Classification (06012015). Collection method: clinical testing. Allele origin: germline. Affected: yes.
Comment: This variant is considered likely benign or benign based on one or more of the following criteria: it is a conservative change, it occurs at a poorly conserved position in the protein, it is predicted to be benign by multiple in silico algorithms, and/or has population frequency not consistent with disease.

Breakthrough Genomics
Classification: Benign. Review status: criteria provided, single submitter. Criteria: ACMG Guidelines, 2015. Collection method: not provided. Allele origin: germline. Inheritance: Autosomal recessive inheritance. Affected: yes.